The following is an entry in ClinVar:

ClinVar aggregate classification (germline): Likely benign (1 of 4 stars; one submission).

Submission:

GeneDx
Classification: Likely benign. Last evaluated: 2016-01-04. Review status: criteria provided, single submitter. Criteria: GeneDx Variant Classification (06012015). Collection method: clinical testing. Allele origin: germline. Affected: yes.
Comment: This variant is considered likely benign or benign based on one or more of the following criteria: it is a conservative change, it occurs at a poorly conserved position in the protein, it is predicted to be benign by multiple in silico algorithms, and/or has population frequency not consistent with disease.

NM_000090.4(COL3A1):c.745-37_745-20del

Gene: COL3A1 (collagen type III alpha 1 chain; plus strand). Cytogenetic location: 2q32.2.
Variant type: Deletion.
Coding change: c.745-37_745-20del on transcript NM_000090.4 (MANE Select); 37 bases into the intron before coding-DNA position 745 through 20 bases into the intron before coding-DNA position 745, 18 bases deleted (GAAGGTTCATTAATATTT).
Molecular consequence: intron variant.
Genome position (GRCh38, 1-based): chr2:188,990,270-188,990,287, GAAGGTTCATTAATATTT deleted; deleting any 18 consecutive bases within chr2:188,990,265-188,990,287 gives the same sequence; the c. name uses the placement nearest the transcript's 3' end. VCF-style (leftmost placement, unchanged base first): chr2-188990264-CTATTTGAAGGTTCATTAA-C. GRCh37 (hg19) VCF-style: chr2-189854990-CTATTTGAAGGTTCATTAA-C.
Other names: c.745-37_745-20del18 (NM_000090.3); c.745-37_745-20delGAAGGTTCATTAATATTT (NM_000090.3).
Identifiers: ClinVar variation 420310 (VCV000420310.1), dbSNP rs1064794407, ClinGen allele CA16617388.